The following is an entry in ClinVar:

ClinVar aggregate classification (germline): Benign/Likely benign. Review status: criteria provided, multiple submitters, no conflicts (2 of 4 stars). 21 submissions from 18 submitters: Benign (10); Likely benign (7). 4 of the submissions do not count toward it. Last evaluated 2026-09-01.

Conditions:
Cardiovascular phenotype. Identifiers: MedGen CN230736.
Autosomal recessive limb-girdle muscular dystrophy type 2J (LGMDR10). Also called: MUSCULAR DYSTROPHY, LIMB-GIRDLE, AUTOSOMAL RECESSIVE 10; Limb-girdle muscular dystrophy, type 2J. Identifiers: Orphanet 140922, MedGen C1837342, MONDO:0012127, OMIM 608807.
Dilated cardiomyopathy 1G (CMD1G). Identifiers: Orphanet 154, MedGen C1858763, MONDO:0011400, OMIM 604145.
Cardiomyopathy (CMYO). Also called: Cardiomyopathies. Identifiers: Orphanet 167848, MedGen C0878544, MONDO:0004994, HP:0001638. Inheritance: Various modes of inheritance.
Early-onset myopathy with fatal cardiomyopathy (CMYO5). Also called: CONGENITAL MYOPATHY 5 WITH CARDIOMYOPATHY; Salih Myopathy. Identifiers: Orphanet 289377, MedGen C2673677, MONDO:0012714, OMIM 611705. Disease mechanism: loss of function.
Myopathy, myofibrillar, 9, with early respiratory failure (MFM9). Also called: Myopathy, distal, with early respiratory failure, autosomal dominant; Hereditary myopathy with early respiratory failure; EDSTROM MYOPATHY; MYOPATHY, PROXIMAL, WITH EARLY RESPIRATORY MUSCLE INVOLVEMENT. Identifiers: Orphanet 178464, Orphanet 34521, MedGen C1863599, MONDO:0011362, OMIM 603689.
Tibial muscular dystrophy (TMD). Also called: Tibial muscular dystrophy, tardive; Udd Distal Myopathy – Tibial Muscular Dystrophy; UDD MYOPATHY. Identifiers: Orphanet 609, MedGen C1838244, MONDO:0010870, OMIM 600334.

Allele frequency attached by ClinVar (database versions not stated): ExAC 0.00089; gnomAD 0.00146 and 0.00142; gnomAD exomes 0.00088 and 0.00102; 1000 Genomes Project 30x 0.00156; ESP Exome Variant Server 0.00091; 1000 Genomes Project 0.00120; TOPMed 0.00187.
gnomAD v4.1: 1,504 of 1,613,462 alleles (0.093%); highest among the groups gnomAD compares: Middle Eastern, 0.51%; 4 homozygotes.

Submissions (21):

CeGaT Center for Human Genetics Tuebingen
Classification: Likely benign. Last evaluated: 2026-09-01. Review status: criteria provided, single submitter. Criteria: CeGaT Center For Human Genetics Tuebingen Variant Classification Criteria Version 2. Collection method: clinical testing. Allele origin: germline. Affected: yes. Observed: 31 variant alleles.
Comment: TTN: BP4, BP7

Labcorp Genetics (formerly Invitae), Labcorp
Classification: Benign for Dilated cardiomyopathy 1G; Autosomal recessive limb-girdle muscular dystrophy type 2J. Last evaluated: 2026-02-02. Review status: criteria provided, single submitter. Criteria: Invitae Variant Classification Sherloc (09022015). Collection method: clinical testing. Allele origin: germline.

Athena Diagnostics
Classification: Benign. Last evaluated: 2025-11-06. Review status: criteria provided, single submitter. Criteria: Athena Diagnostics Criteria. Collection method: clinical testing. Allele origin: unknown.
Comment: The frequency of this variant in the general population is higher than would generally be expected for pathogenic variants in this gene. Computational tools yielded predictions that this variant is unlikely to have an effect on normal RNA splicing.

Molecular Diagnostic Laboratory for Inherited Cardiovascular Disease, Montreal Heart Institute
Classification: Benign. Last evaluated: 2025-04-09. Review status: criteria provided, single submitter. Criteria: ACMG Guidelines, 2015. Collection method: clinical testing. Allele origin: germline. Affected: no.

Mayo Clinic Laboratories, Mayo Clinic
Classification: Likely benign. Last evaluated: 2025-01-23. Review status: criteria provided, single submitter. Criteria: ACMG Guidelines, 2015. Collection method: clinical testing. Allele origin: germline. Observed: 6 variant alleles.
Comment: BS1, BP4, BP7

Blueprint Genetics
Classification: Likely benign. Last evaluated: 2024-10-28. Review status: criteria provided, single submitter. Criteria: ACMG Guidelines, 2015. Collection method: clinical testing. Allele origin: germline.

Genome-Nilou Lab
Classification: Benign for Autosomal recessive limb-girdle muscular dystrophy type 2J. Last evaluated: 2021-09-10. Review status: criteria provided, single submitter. Criteria: ACMG Guidelines, 2015. Collection method: clinical testing. Allele origin: germline. Affected: no.

Genome-Nilou Lab
Classification: Benign for Myopathy, myofibrillar, 9, with early respiratory failure. Last evaluated: 2021-09-10. Review status: criteria provided, single submitter. Criteria: ACMG Guidelines, 2015. Collection method: clinical testing. Allele origin: germline. Affected: no.

Genome-Nilou Lab
Classification: Benign for Early-onset myopathy with fatal cardiomyopathy. Last evaluated: 2021-09-10. Review status: criteria provided, single submitter. Criteria: ACMG Guidelines, 2015. Collection method: clinical testing. Allele origin: germline. Affected: no.

Genome-Nilou Lab
Classification: Benign for Tibial muscular dystrophy. Last evaluated: 2021-09-10. Review status: criteria provided, single submitter. Criteria: ACMG Guidelines, 2015. Collection method: clinical testing. Allele origin: germline. Affected: no.

Women's Health and Genetics/Laboratory Corporation of America, LabCorp
Classification: Benign. Last evaluated: 2021-08-21. Review status: criteria provided, single submitter. Criteria: LabCorp Variant Classification Summary - May 2015. Collection method: clinical testing. Allele origin: germline.

ARUP Laboratories, Molecular Genetics and Genomics, ARUP Laboratories
Classification: Likely benign. Last evaluated: 2019-11-11. Review status: criteria provided, single submitter. Criteria: ARUP Molecular Germline Variant Investigation Process. Collection method: clinical testing. Allele origin: germline.

CHEO Genetics Diagnostic Laboratory, Children's Hospital of Eastern Ontario
Classification: Benign for Cardiomyopathy. Last evaluated: 2017-08-23. Review status: criteria provided, single submitter. Criteria: ACMG Guidelines, 2015. Collection method: clinical testing. Allele origin: germline. Study: Canadian Open Genetics Repository.

Ambry Genetics
Classification: Likely benign for Cardiovascular phenotype. Last evaluated: 2016-12-02. Review status: criteria provided, single submitter. Criteria: Ambry Variant Classification Scheme 2023. Collection method: clinical testing. Allele origin: germline.

Laboratory for Molecular Medicine, Mass General Brigham Personalized Medicine
Classification: Likely benign. Last evaluated: 2015-08-12. Review status: criteria provided, single submitter. Criteria: LMM Criteria. Collection method: clinical testing. Allele origin: germline. Observed: 4 variant alleles.
Comment: p.Leu21878Leu in exon 275 of TTN: This variant is not expected to have clinical significance because it does not alter an amino acid residue, and is not located within the splice consensus sequence. It has been identified in 0.2% (29/11544 ) of Latino chromosomes by the Exome Aggregation Consortium (ExAC; dbSNP rs189768015).

Eurofins Ntd Llc (ga)
Classification: Likely benign. Last evaluated: 2015-07-14. Review status: criteria provided, single submitter. Criteria: EGL Classification Definitions 2015. Collection method: clinical testing. Allele origin: germline. Observed: 1 variant allele, 1 heterozygote.

GeneDx
Classification: Benign. Last evaluated: 2014-02-28. Review status: criteria provided, single submitter. Criteria: GeneDx Variant Classification (06012015). Collection method: clinical testing. Allele origin: germline. Affected: yes.
Comment: This variant is considered likely benign or benign based on one or more of the following criteria: it is a conservative change, it occurs at a poorly conserved position in the protein, it is predicted to be benign by multiple in silico algorithms, and/or has population frequency not consistent with disease.

Clinical Genetics DNA and cytogenetics Diagnostics Lab, Erasmus MC, Erasmus Medical Center
Classification: Likely benign. Review status: no assertion criteria provided. Collection method: clinical testing. Allele origin: germline. Affected: yes. Study: VKGL Data-share Consensus. Not counted in ClinVar's aggregate classification.

Clinical Genetics, Academic Medical Center
Classification: Benign. Review status: no assertion criteria provided. Collection method: clinical testing. Allele origin: germline. Affected: yes. Study: VKGL Data-share Consensus. Not counted in ClinVar's aggregate classification.

Genome Diagnostics Laboratory, University Medical Center Utrecht
Classification: Likely benign. Review status: no assertion criteria provided. Collection method: clinical testing. Allele origin: germline. Affected: yes. Study: VKGL Data-share Consensus. Not counted in ClinVar's aggregate classification.

Joint Genome Diagnostic Labs from Nijmegen and Maastricht, Radboudumc and MUMC+
Classification: Benign. Review status: no assertion criteria provided. Collection method: clinical testing. Allele origin: germline. Affected: yes. Study: VKGL Data-share Consensus. Not counted in ClinVar's aggregate classification.

NM_001267550.2(TTN):c.73336C>T (p.Leu24446=)

Genes: TTN (titin; minus strand), TTN-AS1 (TTN antisense RNA 1; plus strand). Cytogenetic location: 2q31.2.
Variant type: single nucleotide variant.
Coding change: c.73336C>T on transcript NM_001267550.2 (MANE Select); coding-DNA position 73336, C replaced by T.
Protein change: p.Leu24446=; no amino-acid change (leucine 24446 retained).
Molecular consequence: synonymous variant.
Genome position (GRCh38, 1-based): chr2:178,572,796, G>A on the plus strand (C>T on the coding strand, the complement: TTN is on the minus strand). VCF-style: chr2-178572796-G-A. GRCh37 (hg19) VCF-style: chr2-179437523-G-A.
Other names: p.L22805L:CTG>TTG; p.Leu21878=; c.68413C>T, p.Leu22805= (NM_001256850.1); c.46141C>T, p.Leu15381= (NM_003319.4); c.65632C>T, p.Leu21878= (NM_133378.4); c.46516C>T, p.Leu15506= (NM_133432.3); c.46717C>T, p.Leu15573= (NM_133437.4).
Identifiers: ClinVar variation 47321 (VCV000047321.73), dbSNP rs189768015, ClinGen allele CA283739.